The following is an entry in ClinVar:

NM_003172.4(SURF1):c.701C>G (p.Ala234Gly)

Gene: SURF1 (SURF1 cytochrome c oxidase assembly factor; minus strand). Cytogenetic location: 9q34.2.
Variant type: single nucleotide variant.
Coding change: c.701C>G on transcript NM_003172.4 (MANE Select); coding-DNA position 701, C replaced by G.
Protein change: p.Ala234Gly; replaces alanine 234 with glycine.
Molecular consequence: missense variant.
Genome position (GRCh38, 1-based): chr9:133,352,496, G>C on the plus strand (C>G on the coding strand, the complement: SURF1 is on the minus strand). VCF-style: chr9-133352496-G-C. GRCh37 (hg19) VCF-style: chr9-136219351-G-C.
Other names: c.374C>G, p.Ala125Gly (NM_001280787.1); short protein forms A125G, A234G.
Identifiers: ClinVar variation 3720992 (VCV003720992.2).

ClinVar aggregate classification (germline): Uncertain significance (1 of 4 stars; one submission).

Conditions:
Leigh syndrome (NULS). Also called: Leigh Syndrome (mtDNA deletion); Leigh's syndrome; Leigh's necrotizing encephalopathy; Leigh's disease; LEIGH SYNDROME, NUCLEAR; Leigh Disease. Identifiers: Orphanet 506, MedGen C2931891, MONDO:0009723, OMIM 256000.

Submission:

Labcorp Genetics (formerly Invitae), Labcorp
Classification: Uncertain significance for Leigh syndrome. Last evaluated: 2024-11-22. Review status: criteria provided, single submitter. Criteria: Invitae Variant Classification Sherloc (09022015). Collection method: clinical testing. Allele origin: germline.
Comment: This sequence change replaces alanine, which is neutral and non-polar, with glycine, which is neutral and non-polar, at codon 234 of the SURF1 protein (p.Ala234Gly). This variant is not present in population databases (gnomAD no frequency). This variant has not been reported in the literature in individuals affected with SURF1-related conditions. Invitae Evidence Modeling of protein sequence and biophysical properties (such as structural, functional, and spatial information, amino acid conservation, physicochemical variation, residue mobility, and thermodynamic stability) has been performed for this missense variant. However, the output from this modeling did not meet the statistical confidence thresholds required to predict the impact of this variant on SURF1 protein function. Algorithms developed to predict the effect of sequence changes on RNA splicing suggest that this variant may disrupt the consensus splice site. In summary, the available evidence is currently insufficient to determine the role of this variant in disease. Therefore, it has been classified as a Variant of Uncertain Significance.